The following is an entry in ClinVar:

NM_001723.7(DST):c.6965C>T (p.Pro2322Leu)

Gene: DST (dystonin; minus strand). Cytogenetic location: 6p12.1.
Variant type: single nucleotide variant.
Coding change: c.6965C>T on transcript NM_001723.7 (MANE Plus Clinical); coding-DNA position 6965, C replaced by T.
Protein change: p.Pro2322Leu; replaces proline 2322 with leucine.
Molecular consequence: missense variant. On other transcripts: intron variant (10).
Genome position (GRCh38, 1-based): chr6:56,616,502, G>A on the plus strand (C>T on the coding strand, the complement: DST is on the minus strand). VCF-style: chr6-56616502-G-A. GRCh37 (hg19) VCF-style: chr6-56481300-G-A.
Other names: c.4831-2018C>T (NM_001144769.5); c.4930-2018C>T (NM_001374722.1, NM_001374736.1); c.4957-2018C>T (NM_001374734.1); c.4417-2018C>T (NM_001144770.2); c.4297-2018C>T (NM_001374730.1, NM_001386100.1, NM_183380.4 and 1 more transcripts); c.3319-2018C>T (NM_015548.5); short protein forms P2322L.
Identifiers: ClinVar variation 1476137 (VCV001476137.3), dbSNP rs2098623875, ClinGen allele CA364564012.

ClinVar aggregate classification (germline): Uncertain significance (1 of 4 stars; one submission).

Conditions:
Hereditary sensory and autonomic neuropathy type 6. Also called: HSAN VI; Neuropathy, hereditary sensory and autonomic, type VI. Identifiers: Orphanet 314381, MedGen C3539003, MONDO:0013839, OMIM 614653.
Epidermolysis bullosa simplex 3, localized or generalized intermediate, with BP230 deficiency (EBS3). Also called: Epidermolysis bullosa simplex, autosomal recessive 2; Epidermolysis bullosa simplex due to BP230 deficiency. Identifiers: Orphanet 412181, MedGen C3809470, MONDO:0014180, OMIM 615425.

Allele frequency attached by ClinVar (database versions not stated): gnomAD 0.00001; gnomAD exomes 0.00001; TOPMed 0.00001.
gnomAD v4.1: 4 of 1,613,984 alleles (0.00025%); highest among the groups gnomAD compares: Non-Finnish European, 0.00034%; no homozygotes.

Submission:

Labcorp Genetics (formerly Invitae), Labcorp
Classification: Uncertain significance for Epidermolysis bullosa simplex 3, localized or generalized intermediate, with BP230 deficiency; Hereditary sensory and autonomic neuropathy type 6. Last evaluated: 2021-10-23. Review status: criteria provided, single submitter. Criteria: Invitae Variant Classification Sherloc (09022015). Collection method: clinical testing. Allele origin: germline.
Comment: This sequence change replaces proline with leucine at codon 2322 of the DST protein (p.Pro2322Leu). The proline residue is weakly conserved and there is a moderate physicochemical difference between proline and leucine. This variant is not present in population databases (ExAC no frequency). This variant has not been reported in the literature in individuals affected with DST-related conditions. Algorithms developed to predict the effect of missense changes on protein structure and function are either unavailable or do not agree on the potential impact of this missense change (SIFT: "Tolerated"; PolyPhen-2: "Probably Damaging"; Align-GVGD: "Class C0"). In summary, the available evidence is currently insufficient to determine the role of this variant in disease. Therefore, it has been classified as a Variant of Uncertain Significance.